The following is an entry in ClinVar:

NM_004168.4(SDHA):c.619A>T (p.Arg207Trp)

Gene: SDHA (succinate dehydrogenase complex flavoprotein subunit A; plus strand). Cytogenetic location: 5p15.33.
Variant type: single nucleotide variant.
Coding change: c.619A>T on transcript NM_004168.4 (MANE Select); coding-DNA position 619, A replaced by T.
Protein change: p.Arg207Trp; replaces arginine 207 with tryptophan.
Molecular consequence: missense variant.
Genome position (GRCh38, 1-based): chr5:226,045, A>T. VCF-style: chr5-226045-A-T. GRCh37 (hg19) VCF-style: chr5-226160-A-T.
Other names: c.475A>T, p.Arg159Trp (NM_001294332.2); c.619A>T, p.Arg207Trp (NM_001330758.2); short protein forms R207W, R159W.
Identifiers: ClinVar variation 843442 (VCV000843442.11), dbSNP rs6555055, ClinGen allele CA359010683.

ClinVar aggregate classification (germline): Uncertain significance (1 of 4 stars; one submission).

Conditions:
Pheochromocytoma/paraganglioma syndrome 5. Also called: Paragangliomas 5; SDHA-Related Hereditary Paraganglioma-Pheochromocytoma Syndrome. Identifiers: Orphanet 29072, MedGen C3279992, MONDO:0013602, OMIM 614165.
Mitochondrial complex II deficiency, nuclear type 1. Also called: SUCCINATE CoQ REDUCTASE DEFICIENCY. Identifiers: Orphanet 3208, MedGen C5700310, MONDO:0100294, OMIM 252011.

gnomAD v4.1: 1 of 1,613,974 alleles (0.000062%); highest among the groups gnomAD compares: Non-Finnish European, 0.000085%; no homozygotes.

Submissions (11):

Labcorp Genetics (formerly Invitae), Labcorp
Classification: Uncertain significance for Pheochromocytoma/paraganglioma syndrome 5; Mitochondrial complex II deficiency, nuclear type 1. Last evaluated: 2022-12-11. Review status: criteria provided, single submitter. Criteria: Invitae Variant Classification Sherloc (09022015). Collection method: clinical testing. Allele origin: germline.
Comment: This sequence change replaces arginine, which is basic and polar, with tryptophan, which is neutral and slightly polar, at codon 207 of the SDHA protein (p.Arg207Trp). This variant is not present in population databases (gnomAD no frequency). This variant has not been reported in the literature in individuals affected with SDHA-related conditions. ClinVar contains an entry for this variant (Variation ID: 843442). Algorithms developed to predict the effect of missense changes on protein structure and function are either unavailable or do not agree on the potential impact of this missense change (SIFT: "Deleterious"; PolyPhen-2: "Probably Damaging"; Align-GVGD: "Class C0"). In summary, the available evidence is currently insufficient to determine the role of this variant in disease. Therefore, it has been classified as a Variant of Uncertain Significance.

Dr. Peter K. Rogan Lab, Western University
No classification provided (evidence only). Condition: Thyroid cancer, nonmedullary, 1. Review status: no classification provided. Collection method: in vitro. Allele origin: not applicable. Functional consequence: retained intron. Not counted in ClinVar's aggregate classification.

Dr. Peter K. Rogan Lab, Western University
No classification provided (evidence only). Condition: Nonpapillary renal cell carcinoma. Review status: no classification provided. Collection method: in vitro. Allele origin: not applicable. Functional consequence: retained intron. Not counted in ClinVar's aggregate classification.

Dr. Peter K. Rogan Lab, Western University
No classification provided (evidence only). Condition: Nonpapillary renal cell carcinoma. Review status: no classification provided. Collection method: in vitro. Allele origin: not applicable. Functional consequence: retained intron. Not counted in ClinVar's aggregate classification.

Dr. Peter K. Rogan Lab, Western University
No classification provided (evidence only). Condition: Nonpapillary renal cell carcinoma. Review status: no classification provided. Collection method: in vitro. Allele origin: not applicable. Functional consequence: retained intron. Not counted in ClinVar's aggregate classification.

Dr. Peter K. Rogan Lab, Western University
No classification provided (evidence only). Condition: Nonpapillary renal cell carcinoma. Review status: no classification provided. Collection method: in vitro. Allele origin: not applicable. Functional consequence: retained intron. Not counted in ClinVar's aggregate classification.

Dr. Peter K. Rogan Lab, Western University
No classification provided (evidence only). Condition: Nonpapillary renal cell carcinoma. Review status: no classification provided. Collection method: in vitro. Allele origin: not applicable. Functional consequence: retained intron. Not counted in ClinVar's aggregate classification.

Dr. Peter K. Rogan Lab, Western University
No classification provided (evidence only). Condition: Nonpapillary renal cell carcinoma. Review status: no classification provided. Collection method: in vitro. Allele origin: not applicable. Functional consequence: retained intron. Not counted in ClinVar's aggregate classification.

Dr. Peter K. Rogan Lab, Western University
No classification provided (evidence only). Condition: Ovarian serous cystadenocarcinoma. Review status: no classification provided. Collection method: in vitro. Allele origin: not applicable. Functional consequence: retained intron. Not counted in ClinVar's aggregate classification.

Dr. Peter K. Rogan Lab, Western University
No classification provided (evidence only). Condition: Ovarian serous cystadenocarcinoma. Review status: no classification provided. Collection method: in vitro. Allele origin: not applicable. Functional consequence: retained intron. Not counted in ClinVar's aggregate classification.

Dr. Peter K. Rogan Lab, Western University
No classification provided (evidence only). Condition: Ovarian serous cystadenocarcinoma. Review status: no classification provided. Collection method: in vitro. Allele origin: not applicable. Functional consequence: retained intron. Not counted in ClinVar's aggregate classification.